The following is an entry in ClinVar:

NM_000463.3(UGT1A1):c.1069C>T (p.Gln357Ter)

Genes: UGT1A5 (UDP glucuronosyltransferase family 1 member A5; plus strand), UGT1A6 (UDP glucuronosyltransferase family 1 member A6; plus strand), UGT1A7 (UDP glucuronosyltransferase family 1 member A7; plus strand), UGT1A8 (UDP glucuronosyltransferase family 1 member A8; plus strand), UGT1A9 (UDP glucuronosyltransferase family 1 member A9; plus strand) and 5 more. Cytogenetic location: 2q37.1.
Variant type: single nucleotide variant.
Coding change: c.1069C>T on transcript NM_000463.3 (MANE Select); coding-DNA position 1069, C replaced by T.
Protein change: p.Gln357Ter; replaces glutamine 357 with a stop codon.
Molecular consequence: nonsense.
Genome position (GRCh38, 1-based): chr2:233,767,921, C>T. VCF-style: chr2-233767921-C-T. GRCh37 (hg19) VCF-style: chr2-234676567-C-T.
Other names: c.1060C>T, p.Gln354Ter (NM_019075.4, NM_019076.5, NM_019077.3 and 1 more transcripts); c.1066C>T, p.Gln356Ter (NM_001072.4); c.265C>T, p.Gln89Ter (NM_205862.3); c.1072C>T, p.Gln358Ter (NM_019078.2, NM_007120.3, NM_019093.4); short protein forms Q357*, Q356*, Q358*, Q354*, Q89*.
Identifiers: ClinVar variation 285285 (VCV000285285.6), dbSNP rs72551350, ClinGen allele CA10605065.
Genomic context (GRCh38, chr2:233,767,921, plus strand): 5'-TACACTGGAACCCGACCATCGAATCTTGCGAACAACACGATACTTGTTAAGTGGCTACCC[C>T]AAAACGATCTGCTTGGTATGTTGGGCGGATTGGATGTATAGGTCAAACCAGGGTCAAATT-3'

ClinVar aggregate classification (germline): Pathogenic. Review status: criteria provided, multiple submitters, no conflicts (2 of 4 stars). 2 submissions from 2 submitters: Pathogenic (2). Last evaluated 2026-04-07.

Conditions:
UGT1A1-related disorder. Also called: UGT1A1-related condition; UGT1A1-related disorders.

Allele frequency attached by ClinVar (database versions not stated): gnomAD 0.00001; gnomAD exomes 0.00001; TOPMed 0.00001.
gnomAD v4.1: 9 of 1,614,068 alleles (0.00056%); highest among the groups gnomAD compares: Non-Finnish European, 0.00076%; no homozygotes.

Submissions (2):

PreventionGenetics, part of Exact Sciences
Classification: Pathogenic for UGT1A1-related condition. Last evaluated: 2026-04-07. Review status: criteria provided, single submitter. Criteria: ACMG Guidelines, 2015. Collection method: clinical testing. Allele origin: germline.
Comment: The UGT1A1 c.1069C>T variant is predicted to result in premature protein termination (p.Gln357*). This variant has been reported in the homozygous and compound heterozygous states in individuals with Crigler-Najjar syndrome (Bosma et al. 1992. PubMed ID: 1568736; Fata et al. 2017. PubMed ID: 28590786; Labrune et al. 1994. PubMed ID: 7989045). This variant is reported in 0.0065% of alleles in individuals of European (Non-Finnish) descent in gnomAD. Nonsense variants in UGT1A1 are expected to be pathogenic. This variant is interpreted as pathogenic.

Eurofins Ntd Llc (ga)
Classification: Pathogenic. Last evaluated: 2015-12-18. Review status: criteria provided, single submitter. Criteria: EGL Classification Definitions 2015. Collection method: clinical testing. Allele origin: germline. Observed: 1 variant allele, 1 heterozygote.